The following is an entry in ClinVar:

NM_017617.5(NOTCH1):c.6151G>A (p.Gly2051Arg)

Genes: NOTCH1 (notch receptor 1; minus strand), LOC126860794 (BRD4-independent group 4 enhancer GRCh37_chr9:139392592-139393791; plus strand). Cytogenetic location: 9q34.3.
Variant type: single nucleotide variant.
Coding change: c.6151G>A on transcript NM_017617.5 (MANE Select); coding-DNA position 6151, G replaced by A.
Protein change: p.Gly2051Arg; replaces glycine 2051 with arginine.
Molecular consequence: missense variant.
Genome position (GRCh38, 1-based): chr9:136,498,928, C>T on the plus strand (G>A on the coding strand, the complement: NOTCH1 is on the minus strand). VCF-style: chr9-136498928-C-T. GRCh37 (hg19) VCF-style: chr9-139393380-C-T.
Other names: short protein forms G2051R.
Identifiers: ClinVar variation 2442752 (VCV002442752.3), dbSNP rs1842956333, ClinGen allele CA375633829.
Genomic context (GRCh38, chr9:136,498,928, plus strand): 5'-GTCTCCCCTGGCATCCCAGCCTCGCGCTCACCCTGTTGTTCTGCATATCTTTGTTAGCCC[C>T]GTTCTTCAGGAGCACAACTGCGGCATCCACATTGTTCACGGCGGCGGCCCAGTGCAGGGC-3'
Protein context (NP_060087.3, residues 2041-2061): VDAAVVLLKN[Gly2051Arg]ANKDMQNNRE

ClinVar aggregate classification (germline): Uncertain significance. Review status: criteria provided, multiple submitters, no conflicts (2 of 4 stars). 3 submissions from 3 submitters: Uncertain significance (3). Last evaluated 2024-02-05.

Conditions:
Adams-Oliver syndrome 5 (AOS5). Identifiers: Orphanet 974, MedGen C4014970, MONDO:0014459, OMIM 616028.
Aortic valve disease 1 (AOVD1). Identifiers: MedGen C3887892, MONDO:0024523, OMIM 109730.
Familial thoracic aortic aneurysm and aortic dissection (TAAD). Also called: Thoracic aortic aneurysms and dissections. Identifiers: Orphanet 91387, MedGen C4707243, MONDO:0019625.

gnomAD v4.1: 3 of 1,613,758 alleles (0.00019%); highest among the groups gnomAD compares: African/African-American, 0.0013%; no homozygotes.

Submissions (3):

Ambry Genetics
Classification: Uncertain significance for Familial thoracic aortic aneurysm and aortic dissection. Last evaluated: 2024-02-05. Review status: criteria provided, single submitter. Criteria: Ambry Variant Classification Scheme 2023. Collection method: clinical testing. Allele origin: germline.

GeneDx
Classification: Uncertain significance. Last evaluated: 2022-09-02. Review status: criteria provided, single submitter. Criteria: GeneDx Variant Classification Process June 2021. Collection method: clinical testing. Allele origin: germline. Affected: yes.
Comment: Not observed at significant frequency in large population cohorts (gnomAD); In silico analysis supports that this missense variant has a deleterious effect on protein structure/function; Has not been previously published as pathogenic or benign to our knowledge

Juno Genomics, Hangzhou Juno Genomics, Inc
Classification: Uncertain significance for Adams-Oliver syndrome 5; Aortic valve disease 1. Review status: criteria provided, single submitter. Criteria: ACMG Guidelines, 2015. Collection method: clinical testing. Allele origin: germline. Affected: yes.
Comment: Absent from controls (or at extremely low frequency if recessive) in Genome Aggregation Database, Exome Sequencing Project, 1000 Genomes Project, or Exome Aggregation Consortium.;Missense variant in a gene that has a low rate of benign missense variation and where missense variants are a common mechanism of disease.